The following is an entry in ClinVar:

ClinVar aggregate classification (germline): Uncertain significance. Review status: criteria provided, multiple submitters, no conflicts (2 of 4 stars). 2 submissions from 2 submitters: Uncertain significance (2). Last evaluated 2025-09-21.

Conditions:
Hereditary cancer-predisposing syndrome. Also called: Hereditary Cancer Syndrome; Neoplastic Syndromes, Hereditary; Tumor predisposition; Hereditary neoplastic syndrome. Identifiers: Orphanet 140162, MedGen C0027672, MeSH D009386, MONDO:0015356.
EGFR-related lung cancer (EGFR). Identifiers: MedGen CN130014.

Submissions (2):

Labcorp Genetics (formerly Invitae), Labcorp
Classification: Uncertain significance for EGFR-related lung cancer. Last evaluated: 2025-09-21. Review status: criteria provided, single submitter. Criteria: Invitae Variant Classification Sherloc (09022015). Collection method: clinical testing. Allele origin: germline.
Comment: This sequence change replaces proline, which is neutral and non-polar, with threonine, which is neutral and polar, at codon 195 of the EGFR protein (p.Pro195Thr). This variant is not present in population databases (gnomAD no frequency). This variant has not been reported in the literature in individuals affected with EGFR-related conditions. ClinVar contains an entry for this variant (Variation ID: 2799717). An algorithm developed to predict the effect of missense changes on protein structure and function (PolyPhen-2) suggests that this variant is likely to be tolerated. In summary, the available evidence is currently insufficient to determine the role of this variant in disease. Therefore, it has been classified as a Variant of Uncertain Significance.

Ambry Genetics
Classification: Uncertain significance for Hereditary cancer-predisposing syndrome. Last evaluated: 2025-02-09. Review status: criteria provided, single submitter. Criteria: Ambry Variant Classification Scheme 2023. Collection method: clinical testing. Allele origin: germline.
Comment: The p.P195T variant (also known as c.583C>A), located in coding exon 5 of the EGFR gene, results from a C to A substitution at nucleotide position 583. The proline at codon 195 is replaced by threonine, an amino acid with highly similar properties. This amino acid position is conserved. In addition, this alteration is predicted to be tolerated by in silico analysis. Based on the available evidence, the clinical significance of this variant remains unclear.

NM_005228.5(EGFR):c.583C>A (p.Pro195Thr)

Gene: EGFR (epidermal growth factor receptor; plus strand). Cytogenetic location: 7p11.2.
Variant type: single nucleotide variant.
Coding change: c.583C>A on transcript NM_005228.5 (MANE Select); coding-DNA position 583, C replaced by A.
Protein change: p.Pro195Thr; replaces proline 195 with threonine.
Molecular consequence: missense variant. On other transcripts: intron variant (1).
Genome position (GRCh38, 1-based): chr7:55,151,317, C>A. VCF-style: chr7-55151317-C-A. GRCh37 (hg19) VCF-style: chr7-55219010-C-A.
Other names: c.448C>A, p.Pro150Thr (NM_001346897.2, NM_001346899.2); c.583C>A, p.Pro195Thr (NM_001346898.2, NM_201282.2, NM_201283.2 and 1 more transcripts); c.424C>A, p.Pro142Thr (NM_001346900.2); c.89-4513C>A (NM_001346941.2); short protein forms P142T, P195T, P150T.
Identifiers: ClinVar variation 2799717 (VCV002799717.4), dbSNP rs2128932512, ClinGen allele CA367576834.